The following is an entry in ClinVar:

ClinVar aggregate classification (germline): Uncertain significance. Review status: criteria provided, multiple submitters, no conflicts (2 of 4 stars). 4 submissions from 4 submitters: Uncertain significance (4). Last evaluated 2025-11-13.

Conditions:
Short QT syndrome type 1. Identifiers: Orphanet 51083, MedGen C1865020, MONDO:0012312, OMIM 609620.
Long QT syndrome 2 (LQT2). Identifiers: Orphanet 101016, Orphanet 768, MedGen C3150943, MONDO:0013367, OMIM 613688.
Long QT syndrome (LQTS). Identifiers: MedGen C0023976, MeSH D008133, MONDO:0002442. Disease mechanism: loss of function. Inheritance: Various modes of inheritance.
Cardiovascular phenotype. Identifiers: MedGen CN230736.

Submissions (4):

Ambry Genetics
Classification: Uncertain significance for Cardiovascular phenotype. Last evaluated: 2025-11-13. Review status: criteria provided, single submitter. Criteria: Ambry Variant Classification Scheme 2023. Collection method: clinical testing. Allele origin: germline.
Comment: The c.551_568dup18 variant (also known as p.G184_G189dup), located in coding exon 4 of the KCNH2 gene, results from an in-frame duplication of 18 nucleotides at nucleotide positions 551 to 568. This results in the duplication of 6 extra residues (GAGGAG) between codons 184 and 189. This variant (referred to as 569_586ins) was reported in a long QT syndrome genetic testing cohort; however, details were limited (Kapplinger JD et al. Heart Rhythm. 2009 Sep;6(9):1297-303). This amino acid region is not well conserved in available vertebrate species. In addition, this variant is predicted to be inconclusive by in silico analysis (Choi Y et al. PLoS ONE. 2012; 7(10):e46688). Based on the available evidence, the clinical significance of this variant remains unclear.

Labcorp Genetics (formerly Invitae), Labcorp
Classification: Uncertain significance for Long QT syndrome. Last evaluated: 2025-10-20. Review status: criteria provided, single submitter. Criteria: Invitae Variant Classification Sherloc (09022015). Collection method: clinical testing. Allele origin: germline.
Comment: This variant, c.551_568dup, results in the insertion of 6 amino acid(s) of the KCNH2 protein (p.Gly184_Gly189dup), but otherwise preserves the integrity of the reading frame. This variant is not present in population databases (gnomAD no frequency). This variant has been observed in individual(s) with clinical features of KCNH2-related conditions (PMID: 19716085). ClinVar contains an entry for this variant (Variation ID: 862817). Experimental studies and prediction algorithms are not available or were not evaluated, and the functional significance of this variant is currently unknown. In summary, the available evidence is currently insufficient to determine the role of this variant in disease. Therefore, it has been classified as a Variant of Uncertain Significance.

Women's Health and Genetics/Laboratory Corporation of America, LabCorp
Classification: Uncertain significance. Last evaluated: 2025-05-08. Review status: criteria provided, single submitter. Criteria: LabCorp Variant Classification Summary - May 2015. Collection method: clinical testing. Allele origin: germline.
Comment: Variant summary: KCNH2 c.551_568dup18 (p.Gly184_Gly189dup) results in an in-frame duplication that is predicted to duplicate 6 amino acids into the encoded protein. The variant was absent in 63692 control chromosomes. The available data on variant occurrences in the general population are insufficient to allow any conclusion about variant significance. c.551_568dup18 has been observed in an individual referred for long QT syndrome genetic testing (Kapplinger_2009). These report(s) do not provide unequivocal conclusions about association of the variant with Arrhythmia. To our knowledge, no experimental evidence demonstrating an impact on protein function has been reported. The following publication has been ascertained in the context of this evaluation (PMID: 19716085). ClinVar contains an entry for this variant (Variation ID: 862817). Based on the evidence outlined above, the variant was classified as uncertain significance.

Fulgent Genetics
Classification: Uncertain significance for Short QT syndrome type 1; Long QT syndrome 2. Last evaluated: 2021-09-17. Review status: criteria provided, single submitter. Criteria: ACMG Guidelines, 2015. Collection method: clinical testing. Allele origin: unknown.

Literature cited by the submitters: PubMed 19716085 (cited by 3 submitters).

NM_000238.4(KCNH2):c.551GCGCGGGCG[4] (p.Gly189_Ala190insGlyAlaGlyGlyAlaGly)

Gene: KCNH2 (potassium voltage-gated channel subfamily H member 2; minus strand). Cytogenetic location: 7q36.1.
Variant type: Microsatellite.
Coding change: c.551GCGCGGGCG[4] on transcript NM_000238.4 (MANE Select); four copies in a row of the 9-base unit GCGCGGGCG starting at c.551; the reference has two copies in a row; two copies, 18 bases duplicated; also written c.551_568dup.
Protein change: p.Gly189_Ala190insGlyAlaGlyGlyAlaGly.
Molecular consequence: inframe insertion. On other transcripts: inframe indel (8).
Genome position (GRCh38, 1-based): chr7:150,958,407-150,958,424, CGCCCGCGCCGCCCGCGC duplicated on the plus strand (GCGCGGGCGGCGCGGGCG on the coding strand, the reverse complement: KCNH2 is on the minus strand); duplicating any 18 consecutive bases within chr7:150,958,407-150,958,430 gives the same sequence; the position shown is the placement nearest the transcript's 3' end. VCF-style (leftmost placement, unchanged base first): chr7-150958406-G-GCGCCCGCGCCGCCCGCGC. GRCh37 (hg19) VCF-style: chr7-150655494-G-GCGCCCGCGCCGCCCGCGC.
Other names: c.551_568dup18 (NM_000238.4, NM_000238.3); c.551_568dup (NM_000238.3, NM_000238.4); c.545_553CGGGCGGCG[4], p.Gly189_Ala190insGlyAlaGlyGlyAlaGly (NM_000238.3, NM_172056.3); c.257_265CGGGCGGCG[4], p.Gly93_Ala94insGlyAlaGlyGlyAlaGly (NM_001406753.1, NM_001406756.1); c.368_376CGGGCGGCG[4], p.Gly130_Ala131insGlyAlaGlyGlyAlaGly (NM_001406755.1); c.245_253CGGGCGGCG[4], p.Gly89_Ala90insGlyAlaGlyGlyAlaGly (NM_001406757.1); c.551_568dupGCGCGGGCGGCGCGGGCG (NM_000238.3).
Identifiers: ClinVar variation 862817 (VCV000862817.13), dbSNP rs551056698, ClinGen allele CA916080381.
Genomic context (GRCh38, chr7:150,958,406, plus strand): 5'-AGCGACTCGCTGCTGGGTGCCGCGGGCGTCAGGTCCACGTCCACCACCACGGCCCCCGGG[G>GCGCCCGCGCCGCCCGCGC]CGCCCGCGCCGCCCGCGCCGCCCGACCGCACCGACGACTCCCGGGCCGTCAGCGCCAGCA-3'